The following is an entry in ClinVar:

NM_033305.3(VPS13A):c.5830+1G>A

Gene: VPS13A (vacuolar protein sorting 13 homolog A; plus strand). Cytogenetic location: 9q21.2.
Variant type: single nucleotide variant.
Coding change: c.5830+1G>A on transcript NM_033305.3 (MANE Select); the canonical splice donor site of the intron after coding-DNA position 5830, G replaced by A.
Molecular consequence: splice donor variant.
Genome position (GRCh38, 1-based): chr9:77,321,747, G>A. VCF-style: chr9-77321747-G-A. GRCh37 (hg19) VCF-style: chr9-79936663-G-A.
Other names: c.5713+1G>A (NM_001018037.2); c.5830+1G>A (NM_015186.4, NM_001018038.3, NM_033305.2).
Identifiers: ClinVar variation 1470181 (VCV001470181.7), dbSNP rs2131450525, ClinGen allele CA373863986.

ClinVar aggregate classification (germline): Likely pathogenic. Review status: criteria provided, multiple submitters, no conflicts (2 of 4 stars). 2 submissions from 2 submitters: Likely pathogenic (2). Last evaluated 2024-03-27.

Conditions:
VPS13A-related neurodegenerative disease. Also called: Choreoacanthocytosis; Chorea-acanthocytosis; VPS13A Disease; Choreaacanthocytosis; ACANTHOCYTOSIS WITH NEUROLOGIC DISORDER; LEVINE-CRITCHLEY SYNDROME. Identifiers: Orphanet 2388, MedGen C0393576, MONDO:0008695, OMIM 200150.

Submissions (2):

Natera, Inc.
Classification: Likely pathogenic for Choreaacanthocytosis. Last evaluated: 2024-03-27. Review status: criteria provided, single submitter. Criteria: Natera Variant Classification Schema (03/2026). Collection method: clinical testing. Allele origin: germline.
Comment: The c.5830+1G>A variant in VPS13A is a canonical splice donor site variant predicted to affect pre-mRNA splicing, which may result in an abnormal transcript and altered protein product. This variant is expected to result in nonsense mediated decay, truncation, or a dysfunctional protein product. This variant is rare in the general population with a frequency below the threshold expected for the associated phenotype(s). Given the available evidence, this variant is classified as Likely Pathogenic.

Labcorp Genetics (formerly Invitae), Labcorp
Classification: Likely pathogenic. Last evaluated: 2021-09-15. Review status: criteria provided, single submitter. Criteria: Invitae Variant Classification Sherloc (09022015). Collection method: clinical testing. Allele origin: germline.
Comment: In summary, the currently available evidence indicates that the variant is pathogenic, but additional data are needed to prove that conclusively. Therefore, this variant has been classified as Likely Pathogenic. Algorithms developed to predict the effect of sequence changes on RNA splicing suggest that this variant may disrupt the consensus splice site. This variant has not been reported in the literature in individuals affected with VPS13A-related conditions. This variant is not present in population databases (ExAC no frequency). This sequence change affects a donor splice site in intron 44 of the VPS13A gene. It is expected to disrupt RNA splicing. Variants that disrupt the donor or acceptor splice site typically lead to a loss of protein function (PMID: 16199547), and loss-of-function variants in VPS13A are known to be pathogenic (PMID: 12404112, 21598378).

Literature cited by the submitters: PubMed 16199547 (cited by Labcorp Genetics (formerly Invitae), Labcorp); PubMed 12404112 (cited by Labcorp Genetics (formerly Invitae), Labcorp); PubMed 21598378 (cited by Labcorp Genetics (formerly Invitae), Labcorp).